The following is an entry in ClinVar:

NM_000145.4(FSHR):c.507del (p.Phe170fs)

Gene: FSHR (follicle stimulating hormone receptor; minus strand). Cytogenetic location: 2p16.3.
Variant type: Deletion.
Coding change: c.507del on transcript NM_000145.4 (MANE Select); coding-DNA position 507, one base deleted (C; older notation c.507delC).
Protein change: p.Phe170fs; shifts the reading frame from phenylalanine 170.
Molecular consequence: frameshift variant. On other transcripts: intron variant (1).
Genome position (GRCh38, 1-based): chr2:48,988,994, G deleted on the plus strand (C on the coding strand, the reverse complement: FSHR is on the minus strand). VCF-style (leftmost placement, unchanged base first): chr2-48988993-AG-A. GRCh37 (hg19) VCF-style: chr2-49216132-AG-A.
Other names: c.446+1572del (NM_181446.3); short protein forms F170fs.
Identifiers: ClinVar variation 3779679 (VCV003779679.2).
Genomic context (GRCh38, chr2:48,988,993, plus strand): 5'-AAAAATCAAATGTTACTCTGTTGGATTTTTTCCCCCTTACTTACAGAATCACACTTTCAA[AG>A]CTCAGCCCCACGAAAGAATTTCTTTCAATTGTGTGGATGTTTATGTTATCTTGAATGTCA-3'

ClinVar aggregate classification (germline): Pathogenic/Likely pathogenic. Review status: criteria provided, multiple submitters, no conflicts (2 of 4 stars). 2 submissions from 2 submitters: Pathogenic (1); Likely pathogenic (1). Last evaluated 2025-11-27.

Conditions:
Ovarian dysgenesis 1 (ODG1). Also called: OVARIAN DYSGENESIS, HYPERGONADOTROPIC, AUTOSOMAL RECESSIVE; OVARIAN DYSGENESIS, HYPERGONADOTROPIC, WITH NORMAL KARYOTYPE; OVARIAN FAILURE, HYPERGONADOTROPIC; Gonadal dysgenesis XX type deafness; GONADAL DYSGENESIS, XX TYPE. Identifiers: Orphanet 243, MedGen C0949595, MONDO:0024463, OMIM 233300.

Submissions (2):

Dasa
Classification: Pathogenic. Last evaluated: 2025-11-27. Review status: criteria provided, single submitter. Criteria: DASA Assertion Criteria. Collection method: clinical testing. Allele origin: germline.
Comment: NM_000145.4(FSHR):c.507del (p.Phe170Leufs*4) introduces a premature termination codon predicted to result in loss of normal protein function. Loss-of-function is an established mechanism of disease for this gene. The variant is present at low frequency in population datasets. Based on the available data, this variant is classified as pathogenic.

Department of Pathology and Laboratory Medicine, Sinai Health System
Classification: Likely pathogenic for Ovarian dysgenesis 1. Last evaluated: 2023-07-12. Review status: criteria provided, single submitter. Criteria: ACMG Guidelines, 2015. Collection method: research. Allele origin: germline.